The following is an entry in ClinVar:

ClinVar aggregate classification (germline): Likely benign (0 of 4 stars; one submission).

Conditions:
NIPBL-related disorder. Also called: NIPBL-related condition.

Allele frequency attached by ClinVar (database versions not stated): TOPMed below 0.00001; gnomAD 0.00001; gnomAD exomes 0.00001.
gnomAD v4.1: 4 of 1,613,036 alleles (0.00025%); highest among the groups gnomAD compares: Non-Finnish European, 0.00034%; no homozygotes.

Submission:

PreventionGenetics, part of Exact Sciences
Classification: Likely benign for NIPBL-related condition. Last evaluated: 2020-03-06. Review status: no assertion criteria provided. Collection method: clinical testing. Allele origin: germline.
Comment: This variant is classified as likely benign based on ACMG/AMP sequence variant interpretation guidelines (Richards et al. 2015 PMID: 25741868, with internal and published modifications).

NM_133433.4(NIPBL):c.1413G>A (p.Leu471=)

Gene: NIPBL (NIPBL cohesin loading factor; plus strand). Cytogenetic location: 5p13.2.
Variant type: single nucleotide variant.
Coding change: c.1413G>A on transcript NM_133433.4 (MANE Select); coding-DNA position 1413, G replaced by A.
Protein change: p.Leu471=; no amino-acid change (leucine 471 retained).
Molecular consequence: synonymous variant.
Genome position (GRCh38, 1-based): chr5:36,976,320, G>A. VCF-style: chr5-36976320-G-A. GRCh37 (hg19) VCF-style: chr5-36976422-G-A.
Other names: c.1413G>A, p.Leu471= (NM_015384.5).
Identifiers: ClinVar variation 3051269 (VCV003051269.2), dbSNP rs1370377908, ClinGen allele CA444094816.